The following is an entry in ClinVar:

NM_000260.4(MYO7A):c.4483_4484dup (p.Trp1495fs)

Gene: MYO7A (myosin VIIA; plus strand). Cytogenetic location: 11q13.5.
Variant type: Duplication.
Coding change: c.4483_4484dup on transcript NM_000260.4 (MANE Select); coding-DNA positions 4483 to 4484, 2 bases duplicated (TG; older notation c.4483_4484dupTG).
Protein change: p.Trp1495fs; shifts the reading frame from tryptophan 1495.
Molecular consequence: frameshift variant.
Genome position (GRCh38, 1-based): chr11:77,198,536-77,198,537, TG duplicated. VCF-style (leftmost placement, unchanged base first): chr11-77198535-C-CTG. GRCh37 (hg19) VCF-style: chr11-76909580-C-CTG.
Other names: c.4483_4484dup, p.Trp1495fs (NM_001127180.2); c.4450_4451dup, p.Trp1484fs (NM_001369365.1); short protein forms W1495fs, W1484fs.
Identifiers: ClinVar variation 3721074 (VCV003721074.2).

ClinVar aggregate classification (germline): Pathogenic (1 of 4 stars; one submission).

Submission:

Labcorp Genetics (formerly Invitae), Labcorp
Classification: Pathogenic. Last evaluated: 2024-02-11. Review status: criteria provided, single submitter. Criteria: Invitae Variant Classification Sherloc (09022015). Collection method: clinical testing. Allele origin: germline.
Comment: This sequence change creates a premature translational stop signal (p.Trp1495Cysfs*55) in the MYO7A gene. It is expected to result in an absent or disrupted protein product. Loss-of-function variants in MYO7A are known to be pathogenic (PMID: 8900236, 25404053). This variant is not present in population databases (gnomAD no frequency). This premature translational stop signal has been observed in individual(s) with Usher syndrome type1 (PMID: 24618850). For these reasons, this variant has been classified as Pathogenic.

Literature cited by the submitters: PubMed 8900236; PubMed 25404053; PubMed 24618850.